The following is an entry in ClinVar:

NM_000095.3(COMP):c.1738G>A (p.Val580Met)

Gene: COMP (cartilage oligomeric matrix protein; minus strand). Cytogenetic location: 19p13.11.
Variant type: single nucleotide variant.
Coding change: c.1738G>A on transcript NM_000095.3 (MANE Select); coding-DNA position 1738, G replaced by A.
Protein change: p.Val580Met; replaces valine 580 with methionine.
Molecular consequence: missense variant.
Genome position (GRCh38, 1-based): chr19:18,785,072, C>T on the plus strand (G>A on the coding strand, the complement: COMP is on the minus strand). VCF-style: chr19-18785072-C-T. GRCh37 (hg19) VCF-style: chr19-18895882-C-T.
Other names: short protein forms V580M.
Identifiers: ClinVar variation 4755825 (VCV004755825.1).

ClinVar aggregate classification (germline): Uncertain significance (1 of 4 stars; one submission).

Submission:

GeneDx
Classification: Uncertain significance. Last evaluated: 2025-08-01. Review status: criteria provided, single submitter. Criteria: GeneDx Variant Classification Process June 2021. Collection method: clinical testing. Allele origin: germline. Affected: yes.
Comment: Not observed at significant frequency in large population cohorts (gnomAD); In silico analysis supports that this missense variant has a deleterious effect on protein structure/function; Has not been previously published as pathogenic or benign to our knowledge